The following is an entry in ClinVar:

ClinVar aggregate classification (germline): Uncertain significance (1 of 4 stars; one submission).

Conditions:
NIK deficiency. Also called: Primary immunodeficiency with multifaceted aberrant lymphoid immunity. Identifiers: Orphanet 447731, MedGen C5680065, MONDO:0018642.

Allele frequency attached by ClinVar (database versions not stated): gnomAD 0.00001; gnomAD exomes 0.00001; TOPMed 0.00002.
gnomAD v4.1: 5 of 1,612,168 alleles (0.00031%); highest among the groups gnomAD compares: Admixed American, 0.0084%; no homozygotes.

Submission:

Labcorp Genetics (formerly Invitae), Labcorp
Classification: Uncertain significance for NIK deficiency. Last evaluated: 2022-08-21. Review status: criteria provided, single submitter. Criteria: Invitae Variant Classification Sherloc (09022015). Collection method: clinical testing. Allele origin: germline.
Comment: This sequence change replaces proline, which is neutral and non-polar, with arginine, which is basic and polar, at codon 750 of the MAP3K14 protein (p.Pro750Arg). This variant is present in population databases (no rsID available, gnomAD 0.009%). This variant has not been reported in the literature in individuals affected with MAP3K14-related conditions. ClinVar contains an entry for this variant (Variation ID: 1396564). Experimental studies and prediction algorithms are not available or were not evaluated, and the functional significance of this variant is currently unknown. In summary, the available evidence is currently insufficient to determine the role of this variant in disease. Therefore, it has been classified as a Variant of Uncertain Significance.

NM_003954.5(MAP3K14):c.2249C>G (p.Pro750Arg)

Genes: MAP3K14 (mitogen-activated protein kinase kinase kinase 14; minus strand), MAP3K14-AS1 (MAP3K14 antisense RNA 1; plus strand), LOC126862575 (CDK7 strongly-dependent group 2 enhancer GRCh37_chr17:43344006-43345205; plus strand). Cytogenetic location: 17q21.31.
Variant type: single nucleotide variant.
Coding change: c.2249C>G on transcript NM_003954.5 (MANE Select); coding-DNA position 2249, C replaced by G.
Protein change: p.Pro750Arg; replaces proline 750 with arginine.
Molecular consequence: missense variant.
Genome position (GRCh38, 1-based): chr17:45,267,483, G>C on the plus strand (C>G on the coding strand, the complement: MAP3K14 is on the minus strand). VCF-style: chr17-45267483-G-C. GRCh37 (hg19) VCF-style: chr17-43344850-G-C.
Other names: short protein forms P750R.
Identifiers: ClinVar variation 1396564 (VCV001396564.3), dbSNP rs1379745083, ClinGen allele CA399875023.